The following is an entry in ClinVar:

NM_001286445.3(RIPOR2):c.2195C>T (p.Thr732Ile)

Gene: RIPOR2 (RHO family interacting cell polarization regulator 2; minus strand). Cytogenetic location: 6p22.3.
Variant type: single nucleotide variant.
Coding change: c.2195C>T on transcript NM_001286445.3 (MANE Select); coding-DNA position 2195, C replaced by T.
Protein change: p.Thr732Ile; replaces threonine 732 with isoleucine.
Molecular consequence: missense variant.
Genome position (GRCh38, 1-based): chr6:24,835,716, G>A on the plus strand (C>T on the coding strand, the complement: RIPOR2 is on the minus strand). VCF-style: chr6-24835716-G-A. GRCh37 (hg19) VCF-style: chr6-24835944-G-A.
Other names: c.2108C>T, p.Thr703Ile (NM_001346031.2, NM_001346032.2); c.2258C>T, p.Thr753Ile (NM_014722.5); short protein forms T732I, T753I, T703I.
Identifiers: ClinVar variation 4704696 (VCV004704696.1).

ClinVar aggregate classification (germline): Uncertain significance (1 of 4 stars; one submission).

gnomAD v4.1: 2 of 1,551,664 alleles (0.00013%); highest among the groups gnomAD compares: Admixed American, 0.002%; no homozygotes.

Submission:

Labcorp Genetics (formerly Invitae), Labcorp
Classification: Uncertain significance. Last evaluated: 2025-08-02. Review status: criteria provided, single submitter. Criteria: Invitae Variant Classification Sherloc (09022015). Collection method: clinical testing. Allele origin: germline.
Comment: This sequence change replaces threonine, which is neutral and polar, with isoleucine, which is neutral and non-polar, at codon 753 of the FAM65B protein (p.Thr753Ile). This variant is present in population databases (no rsID available, gnomAD 0.1%). This variant has not been reported in the literature in individuals affected with FAM65B-related conditions. An algorithm developed to predict the effect of missense changes on protein structure and function (PolyPhen-2) suggests that this variant is likely to be disruptive. In summary, the available evidence is currently insufficient to determine the role of this variant in disease. Therefore, it has been classified as a Variant of Uncertain Significance.